The following is an entry in ClinVar:

NM_001278116.2(L1CAM):c.3182C>A (p.Ala1061Asp)

Gene: L1CAM (L1 cell adhesion molecule; minus strand). Cytogenetic location: Xq28.
Variant type: single nucleotide variant.
Coding change: c.3182C>A on transcript NM_001278116.2 (MANE Select); coding-DNA position 3182, C replaced by A.
Protein change: p.Ala1061Asp; replaces alanine 1061 with aspartic acid.
Molecular consequence: missense variant.
Genome position (GRCh38, 1-based): chrX:153,864,462, G>T on the plus strand (C>A on the coding strand, the complement: L1CAM is on the minus strand). VCF-style: chrX-153864462-G-T. GRCh37 (hg19) VCF-style: chrX-153129917-G-T.
Other names: c.3182C>A, p.Ala1061Asp (NM_000425.5, NM_024003.3); c.3167C>A, p.Ala1056Asp (NM_001143963.2); short protein forms A1056D, A1061D.
Identifiers: ClinVar variation 1712029 (VCV001712029.2), dbSNP rs2520965816, ClinGen allele CA415111320.

ClinVar aggregate classification (germline): Uncertain significance (1 of 4 stars; one submission).

Allele frequency attached by ClinVar (database versions not stated): gnomAD exomes below 0.00001.
gnomAD v4.1: 1 of 1,210,551 alleles (0.000083%); highest among the groups gnomAD compares: Non-Finnish European, 0.00011%; no homozygotes.

Submission:

GeneDx
Classification: Uncertain significance. Last evaluated: 2022-04-24. Review status: criteria provided, single submitter. Criteria: GeneDx Variant Classification Process June 2021. Collection method: clinical testing. Allele origin: germline. Affected: yes.
Comment: Not observed at significant frequency in large population cohorts (gnomAD); In silico analysis supports that this missense variant does not alter protein structure/function; Has not been previously published as pathogenic or benign to our knowledge